The following is an entry in ClinVar:

NM_002857.4(PEX19):c.858G>A (p.Ser286=)

Gene: PEX19 (peroxisomal biogenesis factor 19; minus strand). Cytogenetic location: 1q23.2.
Variant type: single nucleotide variant.
Coding change: c.858G>A on transcript NM_002857.4 (MANE Select); coding-DNA position 858, G replaced by A.
Protein change: p.Ser286=; no amino-acid change (serine 286 retained).
Molecular consequence: synonymous variant. On other transcripts: non-coding transcript variant (2), intron variant (1).
Genome position (GRCh38, 1-based): chr1:160,279,593, C>T on the plus strand (G>A on the coding strand, the complement: PEX19 is on the minus strand). VCF-style: chr1-160279593-C-T. GRCh37 (hg19) VCF-style: chr1-160249383-C-T.
Other names: c.817-11G>A (NM_001193644.1).
Identifiers: ClinVar variation 598018 (VCV000598018.7), dbSNP rs754510943, ClinGen allele CA1197199.

ClinVar aggregate classification (germline): Uncertain significance. Review status: criteria provided, multiple submitters, no conflicts (2 of 4 stars). 2 submissions from 2 submitters: Uncertain significance (2). Last evaluated 2022-07-15.

Conditions:
Peroxisome biogenesis disorder 12A (Zellweger). Also called: Peroxisome biogenesis disorder 12A. Identifiers: Orphanet 912, MedGen C3554002, MONDO:0013951, OMIM 614886.

Allele frequency attached by ClinVar (database versions not stated): ExAC 0.00002; gnomAD 0.00001; TOPMed 0.00001; gnomAD exomes 0.00002.
gnomAD v4.1: 32 of 1,614,014 alleles (0.002%); highest among the groups gnomAD compares: African/African-American, 0.0027%; no homozygotes.

Submissions (2):

Labcorp Genetics (formerly Invitae), Labcorp
Classification: Uncertain significance for Peroxisome biogenesis disorder 12A (Zellweger). Last evaluated: 2022-07-15. Review status: criteria provided, single submitter. Criteria: Invitae Variant Classification Sherloc (09022015). Collection method: clinical testing. Allele origin: germline.
Comment: In summary, the available evidence is currently insufficient to determine the role of this variant in disease. Therefore, it has been classified as a Variant of Uncertain Significance. Algorithms developed to predict the effect of sequence changes on RNA splicing suggest that this variant may create or strengthen a splice site. ClinVar contains an entry for this variant (Variation ID: 598018). This variant has not been reported in the literature in individuals affected with PEX19-related conditions. This variant is present in population databases (rs754510943, gnomAD 0.007%). This sequence change affects codon 286 of the PEX19 mRNA. It is a 'silent' change, meaning that it does not change the encoded amino acid sequence of the PEX19 protein.

Eurofins Ntd Llc (ga)
Classification: Uncertain significance. Last evaluated: 2018-07-12. Review status: criteria provided, single submitter. Criteria: EGL ClinVar v180209 classification definitions. Collection method: clinical testing. Allele origin: germline. Observed: 1 variant allele, 1 heterozygote.